The following is an entry in ClinVar:

ClinVar aggregate classification (germline): Uncertain significance (1 of 4 stars; one submission).

Allele frequency attached by ClinVar (database versions not stated): TOPMed 0.00002.
gnomAD v4.1: 6 of 1,611,658 alleles (0.00037%); highest among the groups gnomAD compares: Admixed American, 0.0017%; no homozygotes.

Submission:

Labcorp Genetics (formerly Invitae), Labcorp
Classification: Uncertain significance. Last evaluated: 2023-03-30. Review status: criteria provided, single submitter. Criteria: Invitae Variant Classification Sherloc (09022015). Collection method: clinical testing. Allele origin: germline.
Comment: This sequence change replaces leucine, which is neutral and non-polar, with glutamine, which is neutral and polar, at codon 29 of the PNPLA8 protein (p.Leu29Gln). This variant is not present in population databases (gnomAD no frequency). This variant has not been reported in the literature in individuals affected with PNPLA8-related conditions. In summary, the available evidence is currently insufficient to determine the role of this variant in disease. Therefore, it has been classified as a Variant of Uncertain Significance. An algorithm developed to predict the effect of missense changes on protein structure and function (PolyPhen-2) suggests that this variant is likely to be disruptive. ClinVar contains an entry for this variant (Variation ID: 1983603).

NM_001256007.3(PNPLA8):c.86T>A (p.Leu29Gln)

Gene: PNPLA8 (patatin like domain 8, phospholipase A2; minus strand). Cytogenetic location: 7q31.1.
Variant type: single nucleotide variant.
Coding change: c.86T>A on transcript NM_001256007.3 (MANE Select); coding-DNA position 86, T replaced by A.
Protein change: p.Leu29Gln; replaces leucine 29 with glutamine.
Molecular consequence: missense variant. On other transcripts: 5 prime UTR variant (2).
Genome position (GRCh38, 1-based): chr7:108,515,406, A>T on the plus strand (T>A on the coding strand, the complement: PNPLA8 is on the minus strand). VCF-style: chr7-108515406-A-T. GRCh37 (hg19) VCF-style: chr7-108155850-A-T.
Other names: c.86T>A, p.Leu29Gln (NM_001256008.3, NM_001256009.3, NM_015723.5); c.-215T>A (NM_001256010.3, NM_001256011.3); short protein forms L29Q.
Identifiers: ClinVar variation 1983603 (VCV001983603.4), dbSNP rs1319463208, ClinGen allele CA368899628.